The following is an entry in ClinVar:

NM_001035.3(RYR2):c.11481A>C (p.Glu3827Asp)

Gene: RYR2 (ryanodine receptor 2; plus strand). Cytogenetic location: 1q43.
Variant type: single nucleotide variant.
Coding change: c.11481A>C on transcript NM_001035.3 (MANE Select); coding-DNA position 11481, A replaced by C.
Protein change: p.Glu3827Asp; replaces glutamic acid 3827 with aspartic acid.
Molecular consequence: missense variant.
Genome position (GRCh38, 1-based): chr1:237,770,811, A>C. VCF-style: chr1-237770811-A-C. GRCh37 (hg19) VCF-style: chr1-237934111-A-C.
Other names: short protein forms E3827D.
Identifiers: ClinVar variation 4158423 (VCV004158423.1).

ClinVar aggregate classification (germline): Uncertain significance (1 of 4 stars; one submission).

Conditions:
Cardiovascular phenotype. Identifiers: MedGen CN230736.

Submission:

Ambry Genetics
Classification: Uncertain significance for Cardiovascular phenotype. Last evaluated: 2025-06-24. Review status: criteria provided, single submitter. Criteria: Ambry Variant Classification Scheme 2023. Collection method: clinical testing. Allele origin: germline.
Comment: The p.E3827D variant (also known as c.11481A>C), located in coding exon 85 of the RYR2 gene, results from an A to C substitution at nucleotide position 11481. The glutamic acid at codon 3827 is replaced by aspartic acid, an amino acid with highly similar properties. This amino acid position is well conserved in available vertebrate species. In addition, the in silico prediction for this alteration is inconclusive. Based on the available evidence, the clinical significance of this variant remains unclear.